The following is an entry in ClinVar:

ClinVar aggregate classification (germline): Likely benign. Review status: criteria provided, multiple submitters, no conflicts (2 of 4 stars). 2 submissions from 2 submitters: Likely benign (2). Last evaluated 2022-08-12.

gnomAD v4.1: 61 of 1,598,362 alleles (0.0038%); highest among the groups gnomAD compares: Middle Eastern, 0.017%; no homozygotes.

Submissions (2):

Labcorp Genetics (formerly Invitae), Labcorp
Classification: Likely benign. Last evaluated: 2022-08-12. Review status: criteria provided, single submitter. Criteria: Invitae Variant Classification Sherloc (09022015). Collection method: clinical testing. Allele origin: germline.

GeneDx
Classification: Likely benign. Last evaluated: 2016-12-22. Review status: criteria provided, single submitter. Criteria: GeneDx Variant Classification (06012015). Collection method: clinical testing. Allele origin: germline. Affected: yes.
Comment: This variant is considered likely benign or benign based on one or more of the following criteria: it is a conservative change, it occurs at a poorly conserved position in the protein, it is predicted to be benign by multiple in silico algorithms, and/or has population frequency not consistent with disease.

NM_020442.6(VARS2):c.2106+18G>A

Genes: VARS2 (valyl-tRNA synthetase 2, mitochondrial; plus strand), LOC126859646 (MED14-independent group 3 enhancer GRCh37_chr6:30889690-30890889; plus strand). Cytogenetic location: 6p21.33.
Variant type: single nucleotide variant.
Coding change: c.2106+18G>A on transcript NM_020442.6 (MANE Select); 18 bases into the intron after coding-DNA position 2106, G replaced by A.
Molecular consequence: intron variant.
Genome position (GRCh38, 1-based): chr6:30,922,792, G>A. VCF-style: chr6-30922792-G-A. GRCh37 (hg19) VCF-style: chr6-30890569-G-A.
Other names: c.2196+18G>A (NM_001167734.2); c.1686+18G>A (NM_001167733.3).
Identifiers: ClinVar variation 392135 (VCV000392135.6), dbSNP rs753726, ClinGen allele CA3706165.